The following is an entry in ClinVar:

ClinVar aggregate classification (germline): Pathogenic (1 of 4 stars; one submission).

Submission:

Labcorp Genetics (formerly Invitae), Labcorp
Classification: Pathogenic. Last evaluated: 2023-07-09. Review status: criteria provided, single submitter. Criteria: Invitae Variant Classification Sherloc (09022015). Collection method: clinical testing. Allele origin: germline.
Comment: For these reasons, this variant has been classified as Pathogenic. This variant has not been reported in the literature in individuals affected with GORAB-related conditions. This variant is not present in population databases (gnomAD no frequency). This sequence change creates a premature translational stop signal (p.Lys186Asnfs*23) in the GORAB gene. It is expected to result in an absent or disrupted protein product. Loss-of-function variants in GORAB are known to be pathogenic (PMID: 18997784, 19681135).

Literature cited by the submitters: PubMed 18997784; PubMed 19681135.

NM_152281.3(GORAB):c.483del (p.Lys161fs)

Gene: GORAB (golgin, RAB6 interacting; plus strand). Cytogenetic location: 1q24.2.
Variant type: Deletion.
Coding change: c.483del on transcript NM_152281.3 (MANE Select); coding-DNA position 483, one base deleted (A; older notation c.483delA).
Protein change: p.Lys161fs; shifts the reading frame from lysine 161.
Molecular consequence: frameshift variant. On other transcripts: non-coding transcript variant (1).
Genome position (GRCh38, 1-based): chr1:170,542,554, A deleted; the last of 3 consecutive A bases (chr1:170,542,552-170,542,554); deleting any one gives the same sequence. VCF-style (leftmost placement, unchanged base first): chr1-170542551-TA-T. GRCh37 (hg19) VCF-style: chr1-170511692-TA-T.
Other names: c.483del, p.Lys161fs (NM_001146039.2); c.18del, p.Lys6fs (NM_001320252.2); short protein forms K6fs, K161fs.
Identifiers: ClinVar variation 2886885 (VCV002886885.3), dbSNP rs1460371555, ClinGen allele CA891010335.